The following is an entry in ClinVar:

NM_001271.4(CHD2):c.4225A>G (p.Lys1409Glu)

Gene: CHD2 (chromodomain helicase DNA binding protein 2; plus strand). Cytogenetic location: 15q26.1.
Variant type: single nucleotide variant.
Coding change: c.4225A>G on transcript NM_001271.4 (MANE Select); coding-DNA position 4225, A replaced by G.
Protein change: p.Lys1409Glu; replaces lysine 1409 with glutamic acid.
Molecular consequence: missense variant.
Genome position (GRCh38, 1-based): chr15:93,002,264, A>G. VCF-style: chr15-93002264-A-G. GRCh37 (hg19) VCF-style: chr15-93545494-A-G.
Other names: short protein forms K1409E.
Identifiers: ClinVar variation 1369393 (VCV001369393.6), dbSNP rs1334969628, ClinGen allele CA393901188.

ClinVar aggregate classification (germline): Uncertain significance (1 of 4 stars; one submission).

Conditions:
Developmental and epileptic encephalopathy 94 (DEE94). Also called: CHD2-Related Neurodevelopmental Disorders; Epileptic encephalopathy, childhood-onset. Identifiers: Orphanet 1942, Orphanet 2382, MedGen C3809278, MONDO:0014150, OMIM 615369.

Allele frequency attached by ClinVar (database versions not stated): gnomAD exomes below 0.00001; gnomAD 0.00001; TOPMed 0.00001.
gnomAD v4.1: 2 of 1,602,606 alleles (0.00012%); highest among the groups gnomAD compares: East Asian, 0.0045%; no homozygotes.

Submission:

Labcorp Genetics (formerly Invitae), Labcorp
Classification: Uncertain significance for Developmental and epileptic encephalopathy 94. Last evaluated: 2025-08-11. Review status: criteria provided, single submitter. Criteria: Invitae Variant Classification Sherloc (09022015). Collection method: clinical testing. Allele origin: germline.
Comment: This sequence change replaces lysine, which is basic and polar, with glutamic acid, which is acidic and polar, at codon 1409 of the CHD2 protein (p.Lys1409Glu). This variant is present in population databases (no rsID available, gnomAD 0.06%). This variant has not been reported in the literature in individuals affected with CHD2-related conditions. ClinVar contains an entry for this variant (Variation ID: 1369393). Invitae Evidence Modeling of protein sequence and biophysical properties (such as structural, functional, and spatial information, amino acid conservation, physicochemical variation, residue mobility, and thermodynamic stability) indicates that this missense variant is not expected to disrupt CHD2 protein function with a negative predictive value of 95%. In summary, the available evidence is currently insufficient to determine the role of this variant in disease. Therefore, it has been classified as a Variant of Uncertain Significance.